The following is an entry in ClinVar:

ClinVar aggregate classification (germline): Uncertain significance (1 of 4 stars; one submission).

Submission:

Labcorp Genetics (formerly Invitae), Labcorp
Classification: Uncertain significance. Last evaluated: 2020-12-07. Review status: criteria provided, single submitter. Criteria: Invitae Variant Classification Sherloc (09022015). Collection method: clinical testing. Allele origin: germline.
Comment: In summary, the available evidence is currently insufficient to determine the role of this variant in disease. Therefore, it has been classified as a Variant of Uncertain Significance. Algorithms developed to predict the effect of missense changes on protein structure and function are either unavailable or do not agree on the potential impact of this missense change (SIFT: "Deleterious"; PolyPhen-2: "Benign"; Align-GVGD: "Class C0"). This variant has not been reported in the literature in individuals with PRPF6-related conditions. This variant is not present in population databases (ExAC no frequency). This sequence change replaces histidine with tyrosine at codon 190 of the PRPF6 protein (p.His190Tyr). The histidine residue is moderately conserved and there is a moderate physicochemical difference between histidine and tyrosine.

NM_012469.4(PRPF6):c.568C>T (p.His190Tyr)

Gene: PRPF6 (pre-mRNA processing factor 6; plus strand). Cytogenetic location: 20q13.33.
Variant type: single nucleotide variant.
Coding change: c.568C>T on transcript NM_012469.4 (MANE Select); coding-DNA position 568, C replaced by T.
Protein change: p.His190Tyr; replaces histidine 190 with tyrosine.
Molecular consequence: missense variant.
Genome position (GRCh38, 1-based): chr20:63,995,045, C>T. VCF-style: chr20-63995045-C-T. GRCh37 (hg19) VCF-style: chr20-62626398-C-T.
Other names: short protein forms H190Y.
Identifiers: ClinVar variation 1501377 (VCV001501377.8), dbSNP rs2123005982, ClinGen allele CA409715736.